The following is an entry in ClinVar:

ClinVar aggregate classification (germline): Uncertain significance (1 of 4 stars; one submission).

Conditions:
Van der Woude syndrome 2 (VWS2). Identifiers: Orphanet 888, MedGen C1847604, MONDO:0011712, OMIM 606713.

Submission:

Labcorp Genetics (formerly Invitae), Labcorp
Classification: Uncertain significance for Van der Woude syndrome 2. Last evaluated: 2024-10-22. Review status: criteria provided, single submitter. Criteria: Invitae Variant Classification Sherloc (09022015). Collection method: clinical testing. Allele origin: germline.
Comment: This sequence change replaces histidine, which is basic and polar, with proline, which is neutral and non-polar, at codon 587 of the GRHL3 protein (p.His587Pro). This variant is not present in population databases (gnomAD no frequency). This variant has not been reported in the literature in individuals affected with GRHL3-related conditions. An algorithm developed to predict the effect of missense changes on protein structure and function outputs the following: PolyPhen-2: "Benign". The proline amino acid residue is found in multiple mammalian species, which suggests that this missense change does not adversely affect protein function. In summary, the available evidence is currently insufficient to determine the role of this variant in disease. Therefore, it has been classified as a Variant of Uncertain Significance.

NC_000001.11:g.24364250A>C

Genes: GRHL3 (grainyhead like transcription factor 3; plus strand), STPG1 (sperm tail PG-rich repeat containing 1; minus strand). Cytogenetic location: 1p36.11.
Variant type: single nucleotide variant.
Molecular consequence: intron variant (on NM_001199013.2). On other transcripts: missense variant (1).
Genome position: GRCh38 VCF-style: chr1-24364250-A-C. GRCh37 (hg19) VCF-style: chr1-24690740-A-C.
Other names: c.1760A>C, p.His587Pro (NM_198174.3); c.738-3209T>G (NM_001199012.2, NM_001199013.2); c.597-3209T>G (NM_178122.5); c.462-3209T>G (NM_001199014.2); short protein forms H587P.
Identifiers: ClinVar variation 3656352 (VCV003656352.2).
Genomic context (GRCh38, chr1:24,364,250, plus strand): 5'-CTTCTCTCCTCCACCCACGCCTGTCTCGCCACCCCCCACCTGACTGTCTTGAATGTTCCC[A>C]TCCTGTGACTCAAGTGAGGAACATGGGTTTTGGAGATGGATTTTGGAGGCAGAGGGACCT-3'